The following is an entry in ClinVar:

NM_016492.5(RANGRF):c.155T>C (p.Leu52Pro)

Genes: RANGRF (RAN guanine nucleotide release factor; plus strand), SLC25A35 (solute carrier family 25 member 35; minus strand), LOC130060241 (ATAC-STARR-seq lymphoblastoid active region 11693; plus strand). Cytogenetic location: 17p13.1.
Variant type: single nucleotide variant.
Coding change: c.155T>C on transcript NM_016492.5 (MANE Select); coding-DNA position 155, T replaced by C.
Protein change: p.Leu52Pro; replaces leucine 52 with proline.
Molecular consequence: missense variant. On other transcripts: 3 prime UTR variant (2), non-coding transcript variant (2), intron variant (1).
Genome position (GRCh38, 1-based): chr17:8,289,033, T>C. VCF-style: chr17-8289033-T-C. GRCh37 (hg19) VCF-style: chr17-8192351-T-C.
Other names: c.155T>C, p.Leu52Pro (NM_001330127.2, NM_001177801.2, NM_001177802.2); c.*450A>G (NM_001320872.2); c.*583A>G (NM_201520.3); c.*42+541A>G (NM_001320871.2); short protein forms L52P.
Identifiers: ClinVar variation 1427445 (VCV001427445.8), dbSNP rs2151608591, ClinGen allele CA397994272.

ClinVar aggregate classification (germline): Uncertain significance (1 of 4 stars; one submission).

Conditions:
Cardiac arrhythmia. Also called: Cardiac rhythm disease; Arrhythmia. Identifiers: MedGen C0003811, MONDO:0007263, HP:0011675.

gnomAD v4.1: 1 of 1,614,000 alleles (0.000062%); highest among the groups gnomAD compares: African/African-American, 0.0013%; no homozygotes.

Submission:

Labcorp Genetics (formerly Invitae), Labcorp
Classification: Uncertain significance for Cardiac arrhythmia. Last evaluated: 2021-05-13. Review status: criteria provided, single submitter. Criteria: Invitae Variant Classification Sherloc (09022015). Collection method: clinical testing. Allele origin: germline.
Comment: This variant is not present in population databases (ExAC no frequency). This variant has not been reported in the literature in individuals with RANGRF-related conditions. This sequence change replaces leucine with proline at codon 52 of the RANGRF protein (p.Leu52Pro). The leucine residue is highly conserved and there is a moderate physicochemical difference between leucine and proline. In summary, the available evidence is currently insufficient to determine the role of this variant in disease. Therefore, it has been classified as a Variant of Uncertain Significance. Algorithms developed to predict the effect of missense changes on protein structure and function (SIFT, PolyPhen-2, Align-GVGD) all suggest that this variant is likely to be disruptive, but these predictions have not been confirmed by published functional studies and their clinical significance is uncertain.